The following is an entry in ClinVar:

NM_001130009.3(GEN1):c.2516A>G (p.Lys839Arg)

Gene: GEN1 (GEN1 Holliday junction 5' flap endonuclease; plus strand). Cytogenetic location: 2p24.2.
Variant type: single nucleotide variant.
Coding change: c.2516A>G on transcript NM_001130009.3 (MANE Select); coding-DNA position 2516, A replaced by G.
Protein change: p.Lys839Arg; replaces lysine 839 with arginine.
Molecular consequence: missense variant.
Genome position (GRCh38, 1-based): chr2:17,781,728, A>G. VCF-style: chr2-17781728-A-G. GRCh37 (hg19) VCF-style: chr2-17962995-A-G.
Other names: c.2516A>G, p.Lys839Arg (NM_182625.5); short protein forms K839R.
Identifiers: ClinVar variation 4263084 (VCV004263084.1).
Genomic context (GRCh38, chr2:17,781,728, plus strand): 5'-GAATGAAGCACAGTTCTCAAAAGCATAATTCATCCCATTTCAAAGAAAGTGGCCATAACA[A>G]GTTGAGTAGCCCTAAGATACATATTAAAGAAACTGAACAGTGTGTCAGATCTTATGAAAC-3'
Protein context (NP_001123481.3, residues 829-849): SSHFKESGHN[Lys839Arg]LSSPKIHIKE

ClinVar aggregate classification (germline): Uncertain significance (1 of 4 stars; one submission).

Submission:

Ambry Genetics
Classification: Uncertain significance. Last evaluated: 2025-08-19. Review status: criteria provided, single submitter. Criteria: Ambry Variant Classification Scheme 2023. Collection method: clinical testing. Allele origin: germline.
Comment: The p.K839R variant (also known as c.2516A>G), located in coding exon 13 of the GEN1 gene, results from an A to G substitution at nucleotide position 2516. The lysine at codon 839 is replaced by arginine, an amino acid with highly similar properties. This amino acid position is conserved. In addition, this alteration is predicted to be tolerated by in silico analysis. Based on the available evidence, the clinical significance of this variant remains unclear.